The following is an entry in ClinVar:

NM_001291415.2(KDM6A):c.2859-6_2859-5dup

Gene: KDM6A (lysine demethylase 6A; plus strand). Cytogenetic location: Xp11.3.
Variant type: Duplication.
Coding change: c.2859-6_2859-5dup on transcript NM_001291415.2 (MANE Select); 6 bases into the intron before coding-DNA position 2859 through 5 bases into the intron before coding-DNA position 2859, 2 bases duplicated (TT; older notation c.2859-6_2859-5dupTT).
Molecular consequence: intron variant.
Genome position (GRCh38, 1-based): chrX:45,076,691-45,076,692, TT duplicated; duplicating any 2 consecutive bases within chrX:45,076,680-45,076,692 gives the same sequence; the c. name uses the placement nearest the transcript's 3' end. VCF-style (leftmost placement, unchanged base first): chrX-45076679-C-CTT. GRCh37 (hg19) VCF-style: chrX-44935924-C-CTT.
Other names: c.2859-6_2859-5dup (NM_001419809.1); c.2757-6_2757-5dup (NM_001419810.1, NM_001419813.1); c.2703-6_2703-5dup (NM_001419812.1, NM_021140.4); c.2601-6_2601-5dup (NM_001419814.1, NM_001410742.1); c.2724-6_2724-5dup (NM_001419811.1, NM_001291416.2); c.2568-6_2568-5dup (NM_001291417.2); c.2466-6_2466-5dup (NM_001419815.1, NM_001291418.2); c.1815-6_1815-5dup (NM_001291421.2); and 1 more.
Identifiers: ClinVar variation 3352588 (VCV003352588.2).
Genomic context (GRCh38, chrX:45,076,679, plus strand): 5'-TTAATTCAGGATTCTTTTTTTTTTTTTCTGTTTTCCAAATAAATGTACAACTGATTATCC[C>CTT]TTTTTTTTTTTTTCCAGGAATCTAGGTAAAAATGGCTTATCTAACAGTAGCATTTTGTTG-3'

ClinVar aggregate classification (germline): Likely benign. Review status: criteria provided, single submitter (1 of 4 stars). 2 submissions from 2 submitters: Likely benign (1). 1 of the submissions does not count toward it. Last evaluated 2026-08-06.

Conditions:
Inborn genetic diseases. Identifiers: MedGen C0950123, MeSH D030342.
KDM6A-related disorder. Also called: KDM6A-related condition.

Submissions (2):

Ambry Genetics
Classification: Likely benign for Inborn genetic diseases. Last evaluated: 2026-08-06. Review status: criteria provided, single submitter. Criteria: Ambry Variant Classification Scheme 2023. Collection method: clinical testing. Allele origin: germline.

PreventionGenetics, part of Exact Sciences
Classification: Likely benign for KDM6A-related condition. Last evaluated: 2024-07-26. Review status: no assertion criteria provided. Collection method: clinical testing. Allele origin: germline. Not counted in ClinVar's aggregate classification.
Comment: This variant is classified as likely benign based on ACMG/AMP sequence variant interpretation guidelines (Richards et al. 2015 PMID: 25741868, with internal and published modifications).